The following is an entry in ClinVar:

NM_017837.4(PIGV):c.334C>T (p.Arg112Cys)

Gene: PIGV (phosphatidylinositol glycan anchor biosynthesis class V; plus strand). Cytogenetic location: 1p36.11.
Variant type: single nucleotide variant.
Coding change: c.334C>T on transcript NM_017837.4 (MANE Select); coding-DNA position 334, C replaced by T.
Protein change: p.Arg112Cys; replaces arginine 112 with cysteine.
Molecular consequence: missense variant. On other transcripts: 5 prime UTR variant (1), non-coding transcript variant (1), intron variant (3).
Genome position (GRCh38, 1-based): chr1:26,794,368, C>T. VCF-style: chr1-26794368-C-T. GRCh37 (hg19) VCF-style: chr1-27120859-C-T.
Other names: c.334C>T, p.Arg112Cys (NM_001202554.2, NM_001374478.1, NM_001374480.1 and 2 more transcripts); c.-48C>T (NM_001374483.1); c.172+162C>T (NM_001374484.1, NM_001374485.1); c.79-3195C>T (NM_001374486.1); c.334C>T (NM_017837.3); short protein forms R112C.
Identifiers: ClinVar variation 2171573 (VCV002171573.2), dbSNP rs1172094159, ClinGen allele CA339199486.

ClinVar aggregate classification (germline): Uncertain significance. Review status: criteria provided, multiple submitters, no conflicts (2 of 4 stars). 2 submissions from 2 submitters: Uncertain significance (2). Last evaluated 2026-03-26.

Allele frequency attached by ClinVar (database versions not stated): gnomAD exomes below 0.00001; TOPMed below 0.00001; gnomAD 0.00001.
gnomAD v4.1: 8 of 1,614,130 alleles (0.0005%); highest among the groups gnomAD compares: Admixed American, 0.005%; no homozygotes.

Submissions (2):

GeneDx
Classification: Uncertain significance. Last evaluated: 2026-03-26. Review status: criteria provided, single submitter. Criteria: GeneDx Variant Classification Process June 2021. Collection method: clinical testing. Allele origin: germline.
Comment: Not observed at significant frequency in large population cohorts (gnomAD); In silico analysis supports that this missense variant has a deleterious effect on protein structure/function; Has not been previously published as pathogenic or benign to our knowledge

Labcorp Genetics (formerly Invitae), Labcorp
Classification: Uncertain significance. Last evaluated: 2022-05-27. Review status: criteria provided, single submitter. Criteria: Invitae Variant Classification Sherloc (09022015). Collection method: clinical testing. Allele origin: germline.
Comment: This sequence change replaces arginine, which is basic and polar, with cysteine, which is neutral and slightly polar, at codon 112 of the PIGV protein (p.Arg112Cys). This variant is present in population databases (no rsID available, gnomAD 0.006%). This variant has not been reported in the literature in individuals affected with PIGV-related conditions. Algorithms developed to predict the effect of missense changes on protein structure and function are either unavailable or do not agree on the potential impact of this missense change (SIFT: "Tolerated"; PolyPhen-2: "Probably Damaging"; Align-GVGD: "Class C15"). In summary, the available evidence is currently insufficient to determine the role of this variant in disease. Therefore, it has been classified as a Variant of Uncertain Significance.